The following is an entry in ClinVar:

ClinVar aggregate classification (germline): Uncertain significance. Review status: criteria provided, multiple submitters, no conflicts (2 of 4 stars). 2 submissions from 2 submitters: Uncertain significance (2). Last evaluated 2025-08-25.

Conditions:
Inborn genetic diseases. Identifiers: MedGen C0950123, MeSH D030342.

gnomAD v4.1: 5 of 1,557,798 alleles (0.00032%); highest among the groups gnomAD compares: Admixed American, 0.0019%; no homozygotes.

Submissions (2):

Ambry Genetics
Classification: Uncertain significance for Inborn genetic diseases. Last evaluated: 2025-08-25. Review status: criteria provided, single submitter. Criteria: Ambry Variant Classification Scheme 2023. Collection method: clinical testing. Allele origin: germline.

GeneDx
Classification: Uncertain significance. Last evaluated: 2024-09-18. Review status: criteria provided, single submitter. Criteria: GeneDx Variant Classification Process June 2021. Collection method: clinical testing. Allele origin: germline. Affected: yes.
Comment: Not observed at significant frequency in large population cohorts (gnomAD); In silico analysis indicates that this missense variant does not alter protein structure/function; Has not been previously published as pathogenic or benign to our knowledge

NM_001009944.3(PKD1):c.2374C>G (p.Leu792Val)

Gene: PKD1 (polycystin 1, transient receptor potential channel interacting; minus strand). Cytogenetic location: 16p13.3.
Variant type: single nucleotide variant.
Coding change: c.2374C>G on transcript NM_001009944.3 (MANE Select); coding-DNA position 2374, C replaced by G.
Protein change: p.Leu792Val; replaces leucine 792 with valine.
Molecular consequence: missense variant.
Genome position (GRCh38, 1-based): chr16:2,114,649, G>C on the plus strand (C>G on the coding strand, the complement: PKD1 is on the minus strand). VCF-style: chr16-2114649-G-C. GRCh37 (hg19) VCF-style: chr16-2164650-G-C.
Other names: c.2374C>G, p.Leu792Val (NM_000296.4); c.2374C>G (NM_000296.3); short protein forms L792V.
Identifiers: ClinVar variation 3773945 (VCV003773945.2).
Genomic context (GRCh38, chr16:2,114,649, plus strand): 5'-AGAGGTTGTGCCTGGACACGCCATTGCCCACCTCTGCCCGGACCTCATAGCGCCCAGGCA[G>C]CCGCAGTCCAGGGTTGGGCCTCAAGCCCAGCAGCACGGTGAGCTGTTCCGTGGCTGCAAG-3'
Protein context (NP_001009944.3, residues 782-802): LGLRPNPGLR[Leu792Val]PGRYEVRAEV